The following is an entry in ClinVar:

NM_020812.4(DOCK6):c.4651-8G>A

Genes: DOCK6 (dedicator of cytokinesis 6; minus strand), DOCK6-AS1 (DOCK6 antisense RNA 1; plus strand). Cytogenetic location: 19p13.2.
Variant type: single nucleotide variant.
Coding change: c.4651-8G>A on transcript NM_020812.4 (MANE Select); 8 bases into the intron before coding-DNA position 4651, G replaced by A.
Molecular consequence: intron variant.
Genome position (GRCh38, 1-based): chr19:11,211,884, C>T on the plus strand (G>A on the coding strand, the complement: DOCK6 is on the minus strand). VCF-style: chr19-11211884-C-T. GRCh37 (hg19) VCF-style: chr19-11322560-C-T.
Other names: c.4756-8G>A (NM_001367830.1).
Identifiers: ClinVar variation 1438987 (VCV001438987.5), dbSNP rs189142321, ClinGen allele CA9206763.

ClinVar aggregate classification (germline): Uncertain significance (1 of 4 stars; one submission).

Allele frequency attached by ClinVar (database versions not stated): gnomAD exomes 0.00002 and 0.00001; gnomAD 0.00002 and 0.00003; TOPMed 0.00002; ExAC 0.00005; 1000 Genomes Project 0.00020; 1000 Genomes Project 30x 0.00031.
gnomAD v4.1: 29 of 1,477,576 alleles (0.002%); highest among the groups gnomAD compares: East Asian, 0.034%; no homozygotes.

Submission:

Labcorp Genetics (formerly Invitae), Labcorp
Classification: Uncertain significance. Last evaluated: 2022-08-09. Review status: criteria provided, single submitter. Criteria: Invitae Variant Classification Sherloc (09022015). Collection method: clinical testing. Allele origin: germline.
Comment: This sequence change falls in intron 36 of the DOCK6 gene. It does not directly change the encoded amino acid sequence of the DOCK6 protein. The frequency data for this variant in the population databases is considered unreliable, as metrics indicate poor data quality at this position in the gnomAD database. This variant has not been reported in the literature in individuals affected with DOCK6-related conditions. ClinVar contains an entry for this variant (Variation ID: 1438987). Algorithms developed to predict the effect of sequence changes on RNA splicing suggest that this variant may disrupt the consensus splice site. In summary, the available evidence is currently insufficient to determine the role of this variant in disease. Therefore, it has been classified as a Variant of Uncertain Significance.